The following is an entry in ClinVar:

NM_016341.4(PLCE1):c.*220T>G

Genes: PLCE1 (phospholipase C epsilon 1; plus strand), NOC3L (NOC3 like DNA replication regulator; minus strand). Cytogenetic location: 10q23.33.
Variant type: single nucleotide variant.
Coding change: c.*220T>G on transcript NM_016341.4 (MANE Select); 220 bases downstream of the stop codon, T replaced by G.
Molecular consequence: 3 prime UTR variant.
Genome position (GRCh38, 1-based): chr10:94,328,163, T>G. VCF-style: chr10-94328163-T-G. GRCh37 (hg19) VCF-style: chr10-96087920-T-G.
Other names: c.*220T>G (NM_001165979.2, NM_001288989.2).
Identifiers: ClinVar variation 301739 (VCV000301739.5), dbSNP rs184484950, ClinGen allele CA10632930.

ClinVar aggregate classification (germline): Likely benign (1 of 4 stars; one submission).

Conditions:
Nephrotic syndrome, type 3 (NPHS3). Also called: NEPHROTIC SYNDROME, EARLY-ONSET, TYPE 3. Identifiers: Orphanet 656, MedGen C1853124, MONDO:0012546, OMIM 610725.

Allele frequency attached by ClinVar (database versions not stated): gnomAD 0.00010 and 0.00013; TOPMed 0.00019; gnomAD exomes 0.00023; 1000 Genomes Project 0.00060; 1000 Genomes Project 30x 0.00062.
gnomAD v4.1: 51 of 296,844 alleles (0.017%); highest among the groups gnomAD compares: East Asian, 0.41%; no homozygotes.

Submission:

Illumina Laboratory Services, Illumina
Classification: Likely benign for Nephrotic syndrome, type 3. Last evaluated: 2018-01-12. Review status: criteria provided, single submitter. Criteria: ICSL Variant Classification Criteria 13 December 2019. Collection method: clinical testing. Allele origin: germline.
Comment: This variant was observed in the ICSL laboratory as part of a predisposition screen in an ostensibly healthy population. It had not been previously curated by ICSL or reported in the Human Gene Mutation Database (HGMD: prior to June 1st, 2018), and was therefore a candidate for classification through an automated scoring system. Utilizing variant allele frequency, disease prevalence and penetrance estimates, and inheritance mode, an automated score was calculated to assess if this variant is too frequent to cause the disease. Based on the score and internal cut-off values, a variant classified as likely benign is not then subjected to further curation. The score for this variant resulted in a classification of likely benign for this disease.